The following is an entry in ClinVar:

ClinVar aggregate classification (germline): Benign/Likely benign. Review status: criteria provided, multiple submitters, no conflicts (2 of 4 stars). 12 submissions from 11 submitters: Benign (10); Likely benign (1). 1 of the submissions does not count toward it. Last evaluated 2026-06-17.

Conditions:
Polyps, multiple and recurrent inflammatory fibroid, gastrointestinal. Identifiers: MedGen C5193005, MONDO:0008285, OMIM 175510.
Idiopathic hypereosinophilic syndrome (HES). Identifiers: Orphanet 3260, MedGen C0206141, MONDO:0011895, OMIM 607685. Disease mechanism: gain of function.
Gastrointestinal stromal tumor. Also called: Gastrointestinal stroma tumor; Gastrointestinal stromal tumor, somatic. Identifiers: Orphanet 44890, MedGen C0238198, MeSH D046152, MONDO:0011719, OMIM 606764, HP:0100723.
Hereditary cancer-predisposing syndrome. Also called: Tumor predisposition; Hereditary neoplastic syndrome; Hereditary Cancer Syndrome; Neoplastic Syndromes, Hereditary. Identifiers: Orphanet 140162, MedGen C0027672, MeSH D009386, MONDO:0015356.

Allele frequency attached by ClinVar (database versions not stated): gnomAD exomes 0.15612; ESP Exome Variant Server 0.19829; gnomAD 0.20293; TOPMed 0.21501; 1000 Genomes Project 0.24042; 1000 Genomes Project 30x 0.24391.

Submissions (12):

Myriad Genetics, Inc.
Classification: Benign for Polyps, multiple and recurrent inflammatory fibroid, gastrointestinal. Last evaluated: 2026-06-17. Review status: criteria provided, single submitter. Criteria: Myriad Autosomal Dominant, Autosomal Recessive and X-Linked Classification Criteria (2023). Collection method: clinical testing. Allele origin: unknown.
Comment: This variant is considered benign. This variant is a silent/synonymous amino acid change and it is not expected to impact splicing.

Labcorp Genetics (formerly Invitae), Labcorp
Classification: Benign for Gastrointestinal stromal tumor. Last evaluated: 2026-02-04. Review status: criteria provided, single submitter. Criteria: Invitae Variant Classification Sherloc (09022015). Collection method: clinical testing. Allele origin: germline.

Blueprint Genetics
Classification: Likely benign. Last evaluated: 2024-11-26. Review status: criteria provided, single submitter. Criteria: ACMG Guidelines, 2015. Collection method: clinical testing. Allele origin: germline.

Mayo Clinic Laboratories, Mayo Clinic
Classification: Benign. Last evaluated: 2022-04-26. Review status: criteria provided, single submitter. Criteria: ACMG Guidelines, 2015. Collection method: clinical testing. Allele origin: germline. Observed: 152 variant alleles.

Ambry Genetics
Classification: Benign for Hereditary cancer-predisposing syndrome. Last evaluated: 2019-05-08. Review status: criteria provided, single submitter. Criteria: Ambry Variant Classification Scheme 2023. Collection method: clinical testing. Allele origin: germline.

GeneDx
Classification: Benign. Last evaluated: 2018-06-22. Review status: criteria provided, single submitter. Criteria: GeneDx Variant Classification Process June 2021. Collection method: clinical testing. Allele origin: germline. Affected: yes.

Illumina Laboratory Services, Illumina
Classification: Benign for Gastrointestinal stromal tumor. Last evaluated: 2018-01-12. Review status: criteria provided, single submitter. Criteria: ICSL Variant Classification Criteria 13 December 2019. Collection method: clinical testing. Allele origin: germline.
Comment: This variant was observed in the ICSL laboratory as part of a predisposition screen in an ostensibly healthy population. It had not been previously curated by ICSL or reported in the Human Gene Mutation Database (HGMD: prior to June 1st, 2018), and was therefore a candidate for classification through an automated scoring system. Utilizing variant allele frequency, disease prevalence and penetrance estimates, and inheritance mode, an automated score was calculated to assess if this variant is too frequent to cause the disease. Based on the score and internal cut-off values, a variant classified as benign is not then subjected to further curation. The score for this variant resulted in a classification of benign for this disease.

Illumina Laboratory Services, Illumina
Classification: Benign for Idiopathic hypereosinophilic syndrome. Last evaluated: 2018-01-12. Review status: criteria provided, single submitter. Criteria: ICSL Variant Classification Criteria 13 December 2019. Collection method: clinical testing. Allele origin: germline.
Comment: the same text as in the submission from Illumina Laboratory Services, Illumina above.

Laboratory for Molecular Medicine, Mass General Brigham Personalized Medicine
Classification: Benign. Last evaluated: 2016-03-29. Review status: criteria provided, single submitter. Criteria: LMM Criteria. Collection method: clinical testing. Allele origin: germline.
Comment: Variant identified in a genome or exome case(s) and assessed due to predicted null impact of the variant or pathogenic assertions in the literature or databases. Disclaimer: This variant has not undergone full assessment. The following are preliminary notes: Frequency

Breakthrough Genomics
Classification: Benign. Review status: criteria provided, single submitter. Criteria: ACMG Guidelines, 2015. Collection method: not provided. Allele origin: germline. Inheritance: Autosomal dominant inheritance. Affected: yes.

PreventionGenetics, part of Exact Sciences
Classification: Benign. Review status: criteria provided, single submitter. Criteria: ACMG Guidelines, 2015. Collection method: clinical testing. Allele origin: germline.

Department of Pathology and Laboratory Medicine, Sinai Health System
Classification: Benign. Review status: no assertion criteria provided. Collection method: clinical testing. Allele origin: unknown. Affected: yes. Observed: 6 variant alleles. Study: The Canadian Open Genetics Repository (COGR). Not counted in ClinVar's aggregate classification.

NM_006206.6(PDGFRA):c.2472C>T (p.Val824=)

Gene: PDGFRA (platelet derived growth factor receptor alpha; plus strand). Cytogenetic location: 4q12.
Variant type: single nucleotide variant.
Coding change: c.2472C>T on transcript NM_006206.6 (MANE Select); coding-DNA position 2472, C replaced by T.
Protein change: p.Val824=; no amino-acid change (valine 824 retained).
Molecular consequence: synonymous variant.
Genome position (GRCh38, 1-based): chr4:54,285,873, C>T. VCF-style: chr4-54285873-C-T. GRCh37 (hg19) VCF-style: chr4-55152040-C-T.
Other names: p.Val824=; c.2547C>T, p.Val849= (NM_001347828.2); c.2472C>T, p.Val824= (NM_001347829.2); c.2511C>T, p.Val837= (NM_001347830.2).
Identifiers: ClinVar variation 259951 (VCV000259951.29), dbSNP rs2228230, ClinGen allele CA2922876.